The following is an entry in ClinVar:

ClinVar aggregate classification (germline): Uncertain significance (1 of 4 stars; one submission).

Conditions:
Hypertrophic cardiomyopathy. Also called: HYPERTROPHIC MYOCARDIOPATHY. Identifiers: Orphanet 217569, MedGen C0007194, MeSH D002312, MONDO:0005045, HP:0001639.

Submission:

Labcorp Genetics (formerly Invitae), Labcorp
Classification: Uncertain significance for Hypertrophic cardiomyopathy. Last evaluated: 2025-06-14. Review status: criteria provided, single submitter. Criteria: Invitae Variant Classification Sherloc (09022015). Collection method: clinical testing. Allele origin: germline.
Comment: This sequence change creates a premature translational stop signal (p.Arg158*) in the MYOM1 gene. It is expected to result in an absent or disrupted protein product. However, the current clinical and genetic evidence is not sufficient to establish whether loss-of-function variants in MYOM1 cause disease. This variant is not present in population databases (gnomAD no frequency). This variant has not been reported in the literature in individuals affected with MYOM1-related conditions. ClinVar contains an entry for this variant (Variation ID: 3696151). In summary, the available evidence is currently insufficient to determine the role of this variant in disease. Therefore, it has been classified as a Variant of Uncertain Significance.

NM_003803.4(MYOM1):c.472A>T (p.Arg158Ter)

Gene: MYOM1 (myomesin 1; minus strand). Cytogenetic location: 18p11.31.
Variant type: single nucleotide variant.
Coding change: c.472A>T on transcript NM_003803.4 (MANE Select); coding-DNA position 472, A replaced by T.
Protein change: p.Arg158Ter; replaces arginine 158 with a stop codon.
Molecular consequence: nonsense.
Genome position (GRCh38, 1-based): chr18:3,189,047, T>A on the plus strand (A>T on the coding strand, the complement: MYOM1 is on the minus strand). VCF-style: chr18-3189047-T-A. GRCh37 (hg19) VCF-style: chr18-3189045-T-A.
Other names: c.472A>T, p.Arg158Ter (NM_019856.2); short protein forms R158*.
Identifiers: ClinVar variation 3696151 (VCV003696151.2).